The following is an entry in ClinVar:

NM_032436.4(CHAMP1):c.785C>T (p.Ala262Val)

Gene: CHAMP1 (chromosome alignment maintaining phosphoprotein 1; plus strand). Cytogenetic location: 13q34.
Variant type: single nucleotide variant.
Coding change: c.785C>T on transcript NM_032436.4 (MANE Select); coding-DNA position 785, C replaced by T.
Protein change: p.Ala262Val; replaces alanine 262 with valine.
Molecular consequence: missense variant.
Genome position (GRCh38, 1-based): chr13:114,324,627, C>T. VCF-style: chr13-114324627-C-T. GRCh37 (hg19) VCF-style: chr13-115090102-C-T.
Other names: c.785C>T, p.Ala262Val (NM_001164144.3, NM_001164145.3); short protein forms A262V.
Identifiers: ClinVar variation 3391193 (VCV003391193.1).

ClinVar aggregate classification (germline): Uncertain significance (1 of 4 stars; one submission).

Conditions:
Neurodevelopmental disorder with hypotonia, impaired language, and dysmorphic features. Also called: Intellectual disability, autosomal dominant 40. Identifiers: Orphanet 692193, MedGen C5676894, MONDO:0014699, OMIM 616579.

Submission:

Neuberg Centre For Genomic Medicine, NCGM
Classification: Uncertain significance for Neurodevelopmental disorder with hypotonia, impaired language, and dysmorphic features. Last evaluated: 2023-06-22. Review status: criteria provided, single submitter. Criteria: ACMG Guidelines, 2015. Collection method: clinical testing. Allele origin: germline. Inheritance: Autosomal dominant inheritance. Affected: yes.
Comment: The observed missense variant c.785C>Tp.Ala262Val in CHAMP1 gene has not been reported previously as a pathogenic variant nor as a benign variant, to our knowledge. The p.Ala262Val variant is absent in gnomAD Exomes. The amino acid Ala at position 262 is changed to a Val changing protein sequence and it might alter its composition and physico-chemical properties. Multiple lines of computational evidence Polyphen-Benign, SIFT-Tolerated and Mutation Taster-polymorphic predict no damaging effect on protein structure and function for this variant. The reference amino acid p.Ala262Val in CHAMP1 is predicted as conserved by GERP++ and PhyloP across 100 vertebrates. For these reasons, this variant has been classified as Uncertain Significance.